The following is an entry in ClinVar:

ClinVar aggregate classification (germline): Uncertain significance. Review status: criteria provided, multiple submitters, no conflicts (2 of 4 stars). 2 submissions from 2 submitters: Uncertain significance (2). Last evaluated 2023-12-05.

Conditions:
Hereditary cancer-predisposing syndrome. Also called: Neoplastic Syndromes, Hereditary; Tumor predisposition; Hereditary Cancer Syndrome; Hereditary neoplastic syndrome. Identifiers: Orphanet 140162, MedGen C0027672, MeSH D009386, MONDO:0015356.
Familial adenomatous polyposis 1 (FAP1). Also called: FAMILIAL ADENOMATOUS POLYPOSIS 1, ATTENUATED; POLYPOSIS, ADENOMATOUS INTESTINAL. Identifiers: MedGen C2713442, MONDO:0021056, OMIM 175100. Disease mechanism: loss of function.

Submissions (2):

Color Diagnostics, LLC DBA Color Health
Classification: Uncertain significance for Hereditary cancer-predisposing syndrome. Last evaluated: 2023-12-05. Review status: criteria provided, single submitter. Criteria: ACMG Guidelines, 2015. Collection method: clinical testing. Allele origin: germline.
Comment: This missense variant replaces proline with leucine at codon 1941 of the APC protein. Computational prediction suggests that this variant may not impact protein structure and function (internally defined REVEL score threshold <= 0.5, PMID: 27666373). To our knowledge, functional studies have not been reported for this variant. This variant has not been reported in individuals affected with APC-related disorders in the literature. This variant has not been identified in the general population by the Genome Aggregation Database (gnomAD). The available evidence is insufficient to determine the role of this variant in disease conclusively. Therefore, this variant is classified as a Variant of Uncertain Significance.

Labcorp Genetics (formerly Invitae), Labcorp
Classification: Uncertain significance for Familial adenomatous polyposis 1. Last evaluated: 2021-12-23. Review status: criteria provided, single submitter. Criteria: Invitae Variant Classification Sherloc (09022015). Collection method: clinical testing. Allele origin: germline.
Comment: Algorithms developed to predict the effect of missense changes on protein structure and function are either unavailable or do not agree on the potential impact of this missense change (SIFT: "Deleterious"; PolyPhen-2: "Benign"; Align-GVGD: "Class C0"). ClinVar contains an entry for this variant (Variation ID: 922619). This variant has not been reported in the literature in individuals affected with APC-related conditions. This variant is not present in population databases (gnomAD no frequency). This sequence change replaces proline, which is neutral and non-polar, with leucine, which is neutral and non-polar, at codon 1941 of the APC protein (p.Pro1941Leu). In summary, the available evidence is currently insufficient to determine the role of this variant in disease. Therefore, it has been classified as a Variant of Uncertain Significance.

NM_000038.6(APC):c.5822C>T (p.Pro1941Leu)

Gene: APC (APC regulator of Wnt signaling pathway; plus strand). Cytogenetic location: 5q22.2.
Variant type: single nucleotide variant.
Coding change: c.5822C>T on transcript NM_000038.6 (MANE Select); coding-DNA position 5822, C replaced by T.
Protein change: p.Pro1941Leu; replaces proline 1941 with leucine.
Molecular consequence: missense variant.
Genome position (GRCh38, 1-based): chr5:112,841,416, C>T. VCF-style: chr5-112841416-C-T. GRCh37 (hg19) VCF-style: chr5-112177113-C-T.
Other names: c.5822C>T, p.Pro1941Leu (NM_001127510.3, NM_001354895.2); c.5768C>T, p.Pro1923Leu (NM_001127511.3); c.5876C>T, p.Pro1959Leu (NM_001354896.2); c.5852C>T, p.Pro1951Leu (NM_001354897.2); c.5747C>T, p.Pro1916Leu (NM_001354898.2); c.5738C>T, p.Pro1913Leu (NM_001354899.2); c.5699C>T, p.Pro1900Leu (NM_001354900.2); c.5645C>T, p.Pro1882Leu (NM_001354901.2); and 5 more; short protein forms P1658L, P1815L, P1882L, P1923L, P1951L, P1840L, P1916L, P1941L.
Identifiers: ClinVar variation 922619 (VCV000922619.9), dbSNP rs1766056653, ClinGen allele CA16034069.